The following is an entry in ClinVar:

ClinVar aggregate classification (germline): Uncertain significance. Review status: criteria provided, multiple submitters, no conflicts (2 of 4 stars). 2 submissions from 2 submitters: Uncertain significance (2). Last evaluated 2023-05-08.

Submissions (2):

Labcorp Genetics (formerly Invitae), Labcorp
Classification: Uncertain significance. Last evaluated: 2023-05-08. Review status: criteria provided, single submitter. Criteria: Invitae Variant Classification Sherloc (09022015). Collection method: clinical testing. Allele origin: germline.
Comment: In summary, the available evidence is currently insufficient to determine the role of this variant in disease. Therefore, it has been classified as a Variant of Uncertain Significance. Experimental studies and prediction algorithms are not available or were not evaluated, and the functional significance of this variant is currently unknown. ClinVar contains an entry for this variant (Variation ID: 1041500). This variant has not been reported in the literature in individuals affected with ABCA4-related conditions. This variant is not present in population databases (gnomAD no frequency). This variant, c.3999_4000insACCCCAGAGCCAGAGTGCCAGCCT, results in the insertion of 8 amino acid(s) of the ABCA4 protein (p.Pro1333_Pro1334insThrProGluProGluCysGlnPro), but otherwise preserves the integrity of the reading frame.

Blueprint Genetics
Classification: Uncertain significance. Last evaluated: 2022-02-23. Review status: criteria provided, single submitter. Criteria: ACMG Guidelines, 2015. Collection method: clinical testing. Allele origin: germline.

NM_000350.3(ABCA4):c.3999_4000insACCCCAGAGCCAGAGTGCCAGCCT (p.Pro1333_Pro1334insThrProGluProGluCysGlnPro)

Gene: ABCA4 (ATP binding cassette subfamily A member 4; minus strand). Cytogenetic location: 1p22.1.
Variant type: Insertion.
Coding change: c.3999_4000insACCCCAGAGCCAGAGTGCCAGCCT on transcript NM_000350.3 (MANE Select); coding-DNA positions 3999 to 4000, ACCCCAGAGCCAGAGTGCCAGCCT inserted.
Protein change: p.Pro1333_Pro1334insThrProGluProGluCysGlnPro.
Molecular consequence: inframe insertion. On other transcripts: inframe indel (1).
Genome position: GRCh38 VCF-style: chr1-94031906-G-GAGGCTGGCACTCTGGCTCTGGGGT. GRCh37 (hg19) VCF-style: chr1-94497462-G-GAGGCTGGCACTCTGGCTCTGGGGT.
Other names: c.3769_3770insGCCAGCCTACCCCAGAGCCAGAGT, p.Pro1259_Pro1260insThrProGluProGluCysGlnPro (NM_001425324.1).
Identifiers: ClinVar variation 1041500 (VCV001041500.9), dbSNP rs1660216238, ClinGen allele CA1004559120.